The following is an entry in ClinVar:

NM_001481.3(DRC4):c.490C>T (p.Arg164Trp)

Gene: DRC4 (dynein regulatory complex subunit 4; plus strand). Cytogenetic location: 16q24.3.
Variant type: single nucleotide variant.
Coding change: c.490C>T on transcript NM_001481.3 (MANE Select); coding-DNA position 490, C replaced by T.
Protein change: p.Arg164Trp; replaces arginine 164 with tryptophan.
Molecular consequence: missense variant. On other transcripts: 5 prime UTR variant (1).
Genome position (GRCh38, 1-based): chr16:90,032,919, C>T. VCF-style: chr16-90032919-C-T. GRCh37 (hg19) VCF-style: chr16-90099327-C-T.
Other names: c.241C>T, p.Arg81Trp (NM_001286205.2); c.-32C>T (NM_001286208.2); c.415C>T, p.Arg139Trp (NM_001286209.2); short protein forms R139W, R164W, R81W.
Identifiers: ClinVar variation 577760 (VCV000577760.9), dbSNP rs151099141, ClinGen allele CA8257810.

ClinVar aggregate classification (germline): Uncertain significance. Review status: criteria provided, multiple submitters, no conflicts (2 of 4 stars). 2 submissions from 2 submitters: Uncertain significance (2). Last evaluated 2025-12-06.

Conditions:
Primary ciliary dyskinesia 33. Also called: CILIARY DYSKINESIA, PRIMARY, 33, WITHOUT SITUS INVERSUS. Identifiers: Orphanet 244, MedGen C4225230, MONDO:0014750, OMIM 616726.
Primary ciliary dyskinesia. Also called: Ciliary dyskinesia. Identifiers: Orphanet 244, MedGen C0008780, MONDO:0016575, HP:0012265.

Allele frequency attached by ClinVar (database versions not stated): gnomAD 0.00004 and 0.00005; gnomAD exomes 0.00004 and 0.00008; ESP Exome Variant Server 0.00008; TOPMed 0.00008; ExAC 0.00009; 1000 Genomes Project 30x 0.00016; 1000 Genomes Project 0.00020.
gnomAD v4.1: 67 of 1,612,878 alleles (0.0042%); highest among the groups gnomAD compares: East Asian, 0.045%; no homozygotes.

Submissions (2):

Labcorp Genetics (formerly Invitae), Labcorp
Classification: Uncertain significance for Primary ciliary dyskinesia 33. Last evaluated: 2025-12-06. Review status: criteria provided, single submitter. Criteria: Invitae Variant Classification Sherloc (09022015). Collection method: clinical testing. Allele origin: germline.
Comment: This sequence change replaces arginine, which is basic and polar, with tryptophan, which is neutral and slightly polar, at codon 164 of the GAS8 protein (p.Arg164Trp). This variant is present in population databases (rs151099141, gnomAD 0.07%). This variant has not been reported in the literature in individuals affected with GAS8-related conditions. ClinVar contains an entry for this variant (Variation ID: 577760). Invitae Evidence Modeling of protein sequence and biophysical properties (such as structural, functional, and spatial information, amino acid conservation, physicochemical variation, residue mobility, and thermodynamic stability) indicates that this missense variant is not expected to disrupt GAS8 protein function with a negative predictive value of 80%. In summary, the available evidence is currently insufficient to determine the role of this variant in disease. Therefore, it has been classified as a Variant of Uncertain Significance.

UNC Molecular Genetics  Laboratory, University of North Carolina at Chapel Hill
Classification: Uncertain significance for Primary ciliary dyskinesia. Last evaluated: 2018-12-21. Review status: criteria provided, single submitter. Criteria: ACMG Guidelines, 2015. Collection method: clinical testing. Allele origin: germline. Observed: 1 heterozygote.